The following is an entry in ClinVar:

ClinVar aggregate classification (germline): Likely benign. Review status: criteria provided, multiple submitters, no conflicts (2 of 4 stars). 3 submissions from 3 submitters: Likely benign (3). Last evaluated 2026-01-06.

Conditions:
Inborn genetic diseases. Identifiers: MedGen C0950123, MeSH D030342.

Allele frequency attached by ClinVar (database versions not stated): gnomAD 0.00002 and 0.00004; gnomAD exomes 0.00002 and 0.00004; ExAC 0.00003; TOPMed 0.00004.
gnomAD v4.1: 33 of 1,611,754 alleles (0.002%); highest among the groups gnomAD compares: South Asian, 0.0055%; no homozygotes.

Submissions (3):

Labcorp Genetics (formerly Invitae), Labcorp
Classification: Likely benign. Last evaluated: 2026-01-06. Review status: criteria provided, single submitter. Criteria: Invitae Variant Classification Sherloc (09022015). Collection method: clinical testing. Allele origin: germline.

CeGaT Center for Human Genetics Tuebingen
Classification: Likely benign. Last evaluated: 2025-12-01. Review status: criteria provided, single submitter. Criteria: CeGaT Center For Human Genetics Tuebingen Variant Classification Criteria Version 2. Collection method: clinical testing. Allele origin: germline. Affected: yes. Observed: 1 variant allele.
Comment: PACS2: BS2

Ambry Genetics
Classification: Likely benign for Inborn genetic diseases. Last evaluated: 2025-08-30. Review status: criteria provided, single submitter. Criteria: Ambry Variant Classification Scheme 2023. Collection method: clinical testing. Allele origin: germline.

NM_001100913.3(PACS2):c.931G>A (p.Val311Ile)

Gene: PACS2 (phosphofurin acidic cluster sorting protein 2; plus strand). Cytogenetic location: 14q32.33.
Variant type: single nucleotide variant.
Coding change: c.931G>A on transcript NM_001100913.3 (MANE Select); coding-DNA position 931, G replaced by A.
Protein change: p.Val311Ile; replaces valine 311 with isoleucine.
Molecular consequence: missense variant.
Genome position (GRCh38, 1-based): chr14:105,376,897, G>A. VCF-style: chr14-105376897-G-A. GRCh37 (hg19) VCF-style: chr14-105843234-G-A.
Other names: c.706G>A, p.Val236Ile (NM_001243127.3); c.931G>A, p.Val311Ile (NM_015197.4); c.931G>A (NM_001100913.2); short protein forms V311I, V236I.
Identifiers: ClinVar variation 1347381 (VCV001347381.14), dbSNP rs782607135, ClinGen allele CA7388634.